The following is an entry in ClinVar:

NM_001257180.2(SLC20A2):c.1555C>G (p.Leu519Val)

Gene: SLC20A2 (solute carrier family 20 member 2; minus strand). Cytogenetic location: 8p11.21.
Variant type: single nucleotide variant.
Coding change: c.1555C>G on transcript NM_001257180.2 (MANE Select); coding-DNA position 1555, C replaced by G.
Protein change: p.Leu519Val; replaces leucine 519 with valine.
Molecular consequence: missense variant.
Genome position (GRCh38, 1-based): chr8:42,430,218, G>C on the plus strand (C>G on the coding strand, the complement: SLC20A2 is on the minus strand). VCF-style: chr8-42430218-G-C. GRCh37 (hg19) VCF-style: chr8-42287736-G-C.
Other names: c.1555C>G, p.Leu519Val (NM_001257181.2, NM_006749.5); short protein forms L519V.
Identifiers: ClinVar variation 2500585 (VCV002500585.1), dbSNP rs755586555, ClinGen allele CA371096125.

ClinVar aggregate classification (germline): Uncertain significance (1 of 4 stars; one submission).

Allele frequency attached by ClinVar (database versions not stated): TOPMed below 0.00001.

Submission:

GeneDx
Classification: Uncertain significance. Last evaluated: 2022-10-26. Review status: criteria provided, single submitter. Criteria: GeneDx Variant Classification Process June 2021. Collection method: clinical testing. Allele origin: germline. Affected: yes.
Comment: Not observed at significant frequency in large population cohorts (gnomAD); In silico analysis supports that this missense variant does not alter protein structure/function; Has not been previously published as pathogenic or benign to our knowledge